The following is an entry in ClinVar:

NM_006852.6(TLK2):c.164A>G (p.Lys55Arg)

Gene: TLK2 (tousled like kinase 2; plus strand). Cytogenetic location: 17q23.2.
Variant type: single nucleotide variant.
Coding change: c.164A>G on transcript NM_006852.6 (MANE Select); coding-DNA position 164, A replaced by G.
Protein change: p.Lys55Arg; replaces lysine 55 with arginine.
Molecular consequence: missense variant. On other transcripts: 5 prime UTR variant (2).
Genome position (GRCh38, 1-based): chr17:62,522,214, A>G. VCF-style: chr17-62522214-A-G. GRCh37 (hg19) VCF-style: chr17-60599575-A-G.
Other names: c.164A>G, p.Lys55Arg (NM_001284333.3, NM_001284363.1, NM_001375270.1 and 3 more transcripts); c.-188A>G (NM_001330418.3, NM_001375273.1); c.302A>G, p.Lys101Arg (NM_001375269.1); short protein forms K101R, K55R.
Identifiers: ClinVar variation 2503374 (VCV002503374.1), dbSNP rs2545108627, ClinGen allele CA400513395.

ClinVar aggregate classification (germline): Uncertain significance (1 of 4 stars; one submission).

Submission:

GeneDx
Classification: Uncertain significance. Last evaluated: 2022-11-28. Review status: criteria provided, single submitter. Criteria: GeneDx Variant Classification Process June 2021. Collection method: clinical testing. Allele origin: germline. Affected: yes.
Comment: Not observed at significant frequency in large population cohorts (gnomAD); In silico analysis supports that this missense variant does not alter protein structure/function; Has not been previously published as pathogenic or benign to our knowledge